The following is an entry in ClinVar:

NM_001267550.2(TTN):c.42214C>T (p.Arg14072Ter)

Gene: TTN (titin; minus strand). Cytogenetic location: 2q31.2.
Variant type: single nucleotide variant.
Coding change: c.42214C>T on transcript NM_001267550.2 (MANE Select); coding-DNA position 42214, C replaced by T.
Protein change: p.Arg14072Ter; replaces arginine 14072 with a stop codon.
Molecular consequence: nonsense.
Genome position (GRCh38, 1-based): chr2:178,634,567, G>A on the plus strand (C>T on the coding strand, the complement: TTN is on the minus strand). VCF-style: chr2-178634567-G-A. GRCh37 (hg19) VCF-style: chr2-179499294-G-A.
Other names: p.R12431*:CGA>TGA; c.37291C>T, p.Arg12431Ter (NM_001256850.1); c.15019C>T, p.Arg5007Ter (NM_003319.4); c.34510C>T, p.Arg11504Ter (NM_133378.4); c.15394C>T, p.Arg5132Ter (NM_133432.3); c.15595C>T, p.Arg5199Ter (NM_133437.4); c.42214C>T (NM_001267550.1); short protein forms R12431*, R14072*, R5007*, R11504*, R5132*, R5199*.
Identifiers: ClinVar variation 202364 (VCV000202364.17), dbSNP rs794729258, ClinGen allele CA309207.

ClinVar aggregate classification (germline): Likely pathogenic. Review status: criteria provided, multiple submitters, no conflicts (2 of 4 stars). 3 submissions from 3 submitters: Likely pathogenic (3). Last evaluated 2026-09-08.

Conditions:
Cardiovascular phenotype. Identifiers: MedGen CN230736.
Dilated cardiomyopathy 1G (CMD1G). Identifiers: Orphanet 154, MedGen C1858763, MONDO:0011400, OMIM 604145.
Autosomal recessive limb-girdle muscular dystrophy type 2J (LGMDR10). Also called: Limb-girdle muscular dystrophy, type 2J; MUSCULAR DYSTROPHY, LIMB-GIRDLE, AUTOSOMAL RECESSIVE 10. Identifiers: Orphanet 140922, MedGen C1837342, MONDO:0012127, OMIM 608807.

Allele frequency attached by ClinVar (database versions not stated): gnomAD 0.00001; gnomAD exomes below 0.00001.
gnomAD v4.1: 7 of 1,613,118 alleles (0.00043%); highest among the groups gnomAD compares: Non-Finnish European, 0.00059%; no homozygotes.

Submissions (3):

Ambry Genetics
Classification: Likely pathogenic for Cardiovascular phenotype. Last evaluated: 2026-09-08. Review status: criteria provided, single submitter. Criteria: Ambry Variant Classification Scheme 2023. Collection method: clinical testing. Allele origin: germline.
Comment: The p.R5007* variant (also known as c.15019C>T), located in coding exon 57 of the TTN gene, results from a C to T substitution at nucleotide position 15019. This changes the amino acid from an arginine to a stop codon within coding exon 57. This exon is located in the I-band region of the N2-B isoform of the titin protein and is constitutively expressed in TTN transcripts (percent spliced in or PSI 100%). This variant was reported in individual(s) with features consistent with TTN-related dilated cardiomyopathy (Goli R et al. Circulation, 2021 May;143:1852-1862). This variant is expected to result in loss of function by premature protein truncation or nonsense-mediated mRNA decay. While truncating variants in TTN are present in 1-3% of the general population, truncating variants in the A-band are the most common cause of dilated cardiomyopathy (DCM) (Herman DS et al. N. Engl. J. Med., 2012 Feb;366:619-28; Roberts AM et al. Sci Transl Med, 2015 Jan;7:270ra6). TTN truncating variants encoded in constitutive exons (PSI >90%) have been found to be significantly associated with DCM regardless of their position in titin (Schafer S et al. Nat. Genet., 2017 01;49:46-53). This variant is considered to be rare based on population cohorts in the Genome Aggregation Database (gnomAD). Based on the majority of available evidence to date, this variant is likely to be pathogenic.

GeneDx
Classification: Likely pathogenic. Last evaluated: 2025-11-13. Review status: criteria provided, single submitter. Criteria: GeneDx Variant Classification Process June 2021. Collection method: clinical testing. Allele origin: germline. Affected: yes.
Comment: Located in a specific region of the I-band within TTN for which truncating variants are significantly associated with autosomal dominant cardiomyopathy and also with autosomal recessive skeletal myopathies (PMID: 27625338, 27869827, 32778822); Identified in patients with cardiomyopathy referred for genetic testing at GeneDx and in published literature (PMID: 34731013, 33874732); Not observed at significant frequency in large population cohorts (gnomAD); This variant is associated with the following publications: (PMID: 35177841, 33874732, 34731013, 27625338, 27869827, 32778822)

Labcorp Genetics (formerly Invitae), Labcorp
Classification: Likely pathogenic for Dilated cardiomyopathy 1G; Autosomal recessive limb-girdle muscular dystrophy type 2J. Last evaluated: 2025-09-27. Review status: criteria provided, single submitter. Criteria: Invitae Variant Classification Sherloc (09022015). Collection method: clinical testing. Allele origin: germline.
Comment: This sequence change creates a premature translational stop signal (p.Arg14072*) in the TTN gene. While this is not anticipated to result in nonsense mediated decay, it is expected to create a truncated TTN protein. This variant is present in population databases (rs794729258, gnomAD 0.007%). This variant has not been observed in the literature in individuals with autosomal recessive TTN-related conditions. This variant has been reported in individual(s) with autosomal dominant cardiomyopathy (PMID: 33874732, 34731013); however, the role of the variant in this condition is currently unclear. ClinVar contains an entry for this variant (Variation ID: 202364). This variant is located in the I band of TTN (PMID: 25589632). Truncating variants in this region have been reported in individuals affected with autosomal recessive centronuclear myopathy (PMID: 23975875, internal data). Truncating variants in this region have also been identified in individuals affected with autosomal dominant dilated cardiomyopathy and/or cardio-related conditions (PMID: 27869827, 32964742, internal data). In summary, the currently available evidence indicates that the variant is pathogenic, but additional data are needed to prove that conclusively. Therefore, this variant has been classified as Likely Pathogenic.

Literature cited by the submitters: PubMed 33874732 (cited by Ambry Genetics and Labcorp Genetics (formerly Invitae), Labcorp); PubMed 34731013 (cited by Labcorp Genetics (formerly Invitae), Labcorp); PubMed 25589632 (cited by Labcorp Genetics (formerly Invitae), Labcorp); PubMed 23975875 (cited by Labcorp Genetics (formerly Invitae), Labcorp); PubMed 27869827 (cited by Labcorp Genetics (formerly Invitae), Labcorp); PubMed 32964742 (cited by Labcorp Genetics (formerly Invitae), Labcorp).